The following is an entry in ClinVar:

ClinVar aggregate classification (germline): Uncertain significance (1 of 4 stars; one submission).

gnomAD v4.1: 3 of 1,335,860 alleles (0.00022%); highest among the groups gnomAD compares: South Asian, 0.0021%; no homozygotes.

Submission:

CeGaT Center for Human Genetics Tuebingen
Classification: Uncertain significance. Last evaluated: 2025-06-01. Review status: criteria provided, single submitter. Criteria: CeGaT Center For Human Genetics Tuebingen Variant Classification Criteria Version 2. Collection method: clinical testing. Allele origin: germline. Affected: yes. Observed: 1 variant allele.
Comment: TRPC3: PM2:Supporting, PP2, PP3

NM_001130698.2(TRPC3):c.12G>C (p.Lys4Asn)

Genes: TRPC3 (transient receptor potential cation channel subfamily C member 3; minus strand), LOC129993038 (ATAC-STARR-seq lymphoblastoid silent region 15662; plus strand). Cytogenetic location: 4q27.
Variant type: single nucleotide variant.
Coding change: c.12G>C on transcript NM_001130698.2 (MANE Select); coding-DNA position 12, G replaced by C.
Protein change: p.Lys4Asn; replaces lysine 4 with asparagine.
Molecular consequence: missense variant.
Genome position (GRCh38, 1-based): chr4:121,951,669, C>G on the plus strand (G>C on the coding strand, the complement: TRPC3 is on the minus strand). VCF-style: chr4-121951669-C-G. GRCh37 (hg19) VCF-style: chr4-122872824-C-G.
Other names: c.12G>C, p.Lys4Asn (NM_001366479.2); short protein forms K4N.
Identifiers: ClinVar variation 4085146 (VCV004085146.8).